The following is an entry in ClinVar:

ClinVar aggregate classification (germline): Uncertain significance (1 of 4 stars; one submission).

Conditions:
Bardet-Biedl syndrome (BBS). Identifiers: Orphanet 110, MedGen C0752166, MONDO:0015229.

Submission:

Labcorp Genetics (formerly Invitae), Labcorp
Classification: Uncertain significance for Bardet-Biedl syndrome. Last evaluated: 2024-10-23. Review status: criteria provided, single submitter. Criteria: Invitae Variant Classification Sherloc (09022015). Collection method: clinical testing. Allele origin: germline.
Comment: This sequence change replaces arginine, which is basic and polar, with proline, which is neutral and non-polar, at codon 7 of the BBS9 protein (p.Arg7Pro). This variant is not present in population databases (gnomAD no frequency). This variant has not been reported in the literature in individuals affected with BBS9-related conditions. ClinVar contains an entry for this variant (Variation ID: 1047102). Invitae Evidence Modeling of protein sequence and biophysical properties (such as structural, functional, and spatial information, amino acid conservation, physicochemical variation, residue mobility, and thermodynamic stability) indicates that this missense variant is expected to disrupt BBS9 protein function with a positive predictive value of 80%. In summary, the available evidence is currently insufficient to determine the role of this variant in disease. Therefore, it has been classified as a Variant of Uncertain Significance.

NM_198428.3(BBS9):c.20G>C (p.Arg7Pro)

Gene: BBS9 (Bardet-Biedl syndrome 9; plus strand). Cytogenetic location: 7p14.3.
Variant type: single nucleotide variant.
Coding change: c.20G>C on transcript NM_198428.3 (MANE Select); coding-DNA position 20, G replaced by C.
Protein change: p.Arg7Pro; replaces arginine 7 with proline.
Molecular consequence: missense variant. On other transcripts: 5 prime UTR variant (3), non-coding transcript variant (3), intron variant (4).
Genome position (GRCh38, 1-based): chr7:33,146,272, G>C. VCF-style: chr7-33146272-G-C. GRCh37 (hg19) VCF-style: chr7-33185884-G-C.
Other names: c.20G>C, p.Arg7Pro (NM_001033604.2, NM_001033605.2, NM_001348036.1 and 5 more transcripts); c.-282G>C (NM_001348037.3); c.-258G>C (NM_001348038.3, NM_001348039.3); c.-23-6429G>C (NM_001348042.3); c.-189-6429G>C (NM_001348045.3); c.-39+16231G>C (NM_001348046.3, NM_001348044.3); short protein forms R7P.
Identifiers: ClinVar variation 1047102 (VCV001047102.8), dbSNP rs746340993, ClinGen allele CA367189170.